The following is an entry in ClinVar:

ClinVar aggregate classification (germline): Uncertain significance (1 of 4 stars; one submission).

Conditions:
Saldino-Mainzer syndrome (SRTD9). Also called: CONORENAL SYNDROME; Renal dysplasia, retinal pigmentary dystrophy, cerebellar ataxia and skeletal dysplasia; SHORT-RIB THORACIC DYSPLASIA 9 WITHOUT POLYDACTYLY; short-rib thoracic dysplasia 9 with or without polydactyly. Identifiers: Orphanet 140969, MedGen C1849437, MONDO:0009964, OMIM 266920.

gnomAD v4.1: 1 of 1,612,460 alleles (0.000062%); highest among the groups gnomAD compares: Non-Finnish European, 0.000085%; no homozygotes.

Submission:

Labcorp Genetics (formerly Invitae), Labcorp
Classification: Uncertain significance for Saldino-Mainzer syndrome. Last evaluated: 2025-04-17. Review status: criteria provided, single submitter. Criteria: Invitae Variant Classification Sherloc (09022015). Collection method: clinical testing. Allele origin: germline.
Comment: This sequence change replaces arginine, which is basic and polar, with proline, which is neutral and non-polar, at codon 576 of the IFT140 protein (p.Arg576Pro). This variant is not present in population databases (gnomAD no frequency). This missense change has been observed in individual(s) with Leber congenital amaurosis (internal data). ClinVar contains an entry for this variant (Variation ID: 1388294). Invitae Evidence Modeling of protein sequence and biophysical properties (such as structural, functional, and spatial information, amino acid conservation, physicochemical variation, residue mobility, and thermodynamic stability) has been performed for this missense variant. However, the output from this modeling did not meet the statistical confidence thresholds required to predict the impact of this variant on IFT140 protein function. This variant disrupts the p.Arg576 amino acid residue in IFT140. Other variant(s) that disrupt this residue have been observed in individuals with IFT140-related conditions (PMID: 28512305; internal data), which suggests that this may be a clinically significant amino acid residue. In summary, the available evidence is currently insufficient to determine the role of this variant in disease. Therefore, it has been classified as a Variant of Uncertain Significance.

Literature cited by the submitters: PubMed 28512305.

NM_014714.4(IFT140):c.1727G>C (p.Arg576Pro)

Gene: IFT140 (intraflagellar transport 140; minus strand). Cytogenetic location: 16p13.3.
Variant type: single nucleotide variant.
Coding change: c.1727G>C on transcript NM_014714.4 (MANE Select); coding-DNA position 1727, G replaced by C.
Protein change: p.Arg576Pro; replaces arginine 576 with proline.
Molecular consequence: missense variant.
Genome position (GRCh38, 1-based): chr16:1,568,260, C>G on the plus strand (G>C on the coding strand, the complement: IFT140 is on the minus strand). VCF-style: chr16-1568260-C-G. GRCh37 (hg19) VCF-style: chr16-1618261-C-G.
Other names: short protein forms R576P.
Identifiers: ClinVar variation 1388294 (VCV001388294.6), dbSNP rs373111085, ClinGen allele CA394207273.